The following is an entry in ClinVar:

ClinVar aggregate classification (germline): Uncertain significance. Review status: criteria provided, multiple submitters, no conflicts (2 of 4 stars). 3 submissions from 3 submitters: Uncertain significance (3). Last evaluated 2025-09-24.

Conditions:
Inborn genetic diseases. Identifiers: MedGen C0950123, MeSH D030342.

Allele frequency attached by ClinVar (database versions not stated): gnomAD exomes 0.00001 and 0.00003; ExAC 0.00002; TOPMed 0.00005; gnomAD 0.00007 and 0.00008; ESP Exome Variant Server 0.00008.
gnomAD v4.1: 31 of 1,613,404 alleles (0.0019%); highest among the groups gnomAD compares: African/African-American, 0.015%; no homozygotes.

Submissions (3):

Labcorp Genetics (formerly Invitae), Labcorp
Classification: Uncertain significance. Last evaluated: 2025-09-24. Review status: criteria provided, single submitter. Criteria: Invitae Variant Classification Sherloc (09022015). Collection method: clinical testing. Allele origin: germline.
Comment: This sequence change replaces arginine, which is basic and polar, with tryptophan, which is neutral and slightly polar, at codon 546 of the CACNA2D4 protein (p.Arg546Trp). This variant is present in population databases (rs377191684, gnomAD 0.02%). This variant has not been reported in the literature in individuals affected with CACNA2D4-related conditions. ClinVar contains an entry for this variant (Variation ID: 1495107). An algorithm developed to predict the effect of missense changes on protein structure and function (PolyPhen-2) suggests that this variant is likely to be disruptive. In summary, the available evidence is currently insufficient to determine the role of this variant in disease. Therefore, it has been classified as a Variant of Uncertain Significance.

Ambry Genetics
Classification: Uncertain significance for Inborn genetic diseases. Last evaluated: 2025-07-31. Review status: criteria provided, single submitter. Criteria: Ambry Variant Classification Scheme 2023. Collection method: clinical testing. Allele origin: germline.

Blueprint Genetics
Classification: Uncertain significance. Last evaluated: 2021-09-28. Review status: criteria provided, single submitter. Criteria: ACMG Guidelines, 2015. Collection method: clinical testing. Allele origin: germline.

NM_172364.5(CACNA2D4):c.1636C>T (p.Arg546Trp)

Gene: CACNA2D4 (calcium voltage-gated channel auxiliary subunit alpha2delta 4; minus strand). Cytogenetic location: 12p13.33.
Variant type: single nucleotide variant.
Coding change: c.1636C>T on transcript NM_172364.5 (MANE Select); coding-DNA position 1636, C replaced by T.
Protein change: p.Arg546Trp; replaces arginine 546 with tryptophan.
Molecular consequence: missense variant.
Genome position (GRCh38, 1-based): chr12:1,878,964, G>A on the plus strand (C>T on the coding strand, the complement: CACNA2D4 is on the minus strand). VCF-style: chr12-1878964-G-A. GRCh37 (hg19) VCF-style: chr12-1988130-G-A.
Other names: c.1636C>T (NM_172364.4); short protein forms R546W.
Identifiers: ClinVar variation 1495107 (VCV001495107.10), dbSNP rs377191684, ClinGen allele CA6387056.
Genomic context (GRCh38, chr12:1,878,964, plus strand): 5'-AGTTTGCTCCTGGGGAACCTGTGATCCCCACAGGGAACAGACCCAGGCTCACCTTGTACC[G>A]GGGCGCCAGCTTCATCAGCTCTCTCAGGGCCACATCTGAGCCCACCACACCCAGGAGAAT-3'
Protein context (NP_758952.4, residues 536-556): ALRELMKLAP[Arg546Trp]YKLGVHGYAF